The following is an entry in ClinVar:

ClinVar aggregate classification (germline): Conflicting classifications of pathogenicity. Review status: criteria provided, conflicting classifications (1 of 4 stars). 3 submissions from 3 submitters: Uncertain significance (2); Likely benign (1). Last evaluated 2025-07-20.

Conditions:
Hereditary cancer-predisposing syndrome. Also called: Tumor predisposition; Hereditary neoplastic syndrome; Neoplastic Syndromes, Hereditary; Hereditary Cancer Syndrome. Identifiers: Orphanet 140162, MedGen C0027672, MeSH D009386, MONDO:0015356.
Hereditary breast ovarian cancer syndrome. Also called: BRCA1- and BRCA2-Associated Hereditary Breast and Ovarian Cancer; Hereditary breast and ovarian cancer; Hereditary breast and/or ovarian cancer syndrome; Hereditary breast and ovarian cancer syndrome; Hereditary breast and ovarian cancer syndrome (HBOC); Breast and ovarian cancer. Identifiers: Orphanet 145, MedGen C0677776, MeSH D061325, MONDO:0003582. Disease mechanism: loss of function.

Submissions (3):

Labcorp Genetics (formerly Invitae), Labcorp
Classification: Uncertain significance for Hereditary breast ovarian cancer syndrome. Last evaluated: 2025-07-20. Review status: criteria provided, single submitter. Criteria: Invitae Variant Classification Sherloc (09022015). Collection method: clinical testing. Allele origin: germline.
Comment: This sequence change replaces serine, which is neutral and polar, with isoleucine, which is neutral and non-polar, at codon 1060 of the BRCA2 protein (p.Ser1060Ile). This variant is not present in population databases (gnomAD no frequency). This variant has not been reported in the literature in individuals affected with BRCA2-related conditions. ClinVar contains an entry for this variant (Variation ID: 1495466). Invitae Evidence Modeling of protein sequence and biophysical properties (such as structural, functional, and spatial information, amino acid conservation, physicochemical variation, residue mobility, and thermodynamic stability) indicates that this missense variant is not expected to disrupt BRCA2 protein function with a negative predictive value of 95%. In summary, the available evidence is currently insufficient to determine the role of this variant in disease. Therefore, it has been classified as a Variant of Uncertain Significance.

Ambry Genetics
Classification: Uncertain significance for Hereditary cancer-predisposing syndrome. Last evaluated: 2023-10-11. Review status: criteria provided, single submitter. Criteria: Ambry Variant Classification Scheme 2023. Collection method: clinical testing. Allele origin: germline.
Comment: The p.S1060I variant (also known as c.3179G>T), located in coding exon 10 of the BRCA2 gene, results from a G to T substitution at nucleotide position 3179. The serine at codon 1060 is replaced by isoleucine, an amino acid with dissimilar properties. This amino acid position is conserved. In addition, this alteration is predicted to be tolerated by in silico analysis. Since supporting evidence is limited at this time, the clinical significance of this alteration remains unclear.

University of Washington Department of Laboratory Medicine, University of Washington
Classification: Likely benign for Hereditary cancer-predisposing syndrome. Last evaluated: 2023-03-23. Review status: criteria provided, single submitter. Criteria: Dines et al. (Genet Med. 2020). Collection method: curation. Allele origin: germline.
Comment: Missense variant in a coldspot region where missense variants are very unlikely to be pathogenic (PMID:31911673).

BRCA2 exon 11 coldspot. Reclassification based on statistical prior probability.

NM_000059.4(BRCA2):c.3179G>T (p.Ser1060Ile)

Gene: BRCA2 (BRCA2 DNA repair associated; plus strand). Cytogenetic location: 13q13.1.
Variant type: single nucleotide variant.
Coding change: c.3179G>T on transcript NM_000059.4 (MANE Select); coding-DNA position 3179, G replaced by T.
Protein change: p.Ser1060Ile; replaces serine 1060 with isoleucine.
Molecular consequence: missense variant.
Genome position (GRCh38, 1-based): chr13:32,337,534, G>T. VCF-style: chr13-32337534-G-T. GRCh37 (hg19) VCF-style: chr13-32911671-G-T.
Other names: c.3179G>T (NM_000059.3); short protein forms S1060I.
Identifiers: ClinVar variation 1495466 (VCV001495466.10), dbSNP rs2072474262, ClinGen allele CA387775824.